The following is an entry in ClinVar:

NM_001005361.3(DNM2):c.1494-43C>G

Gene: DNM2 (dynamin 2; plus strand). Cytogenetic location: 19p13.2.
Variant type: single nucleotide variant.
Coding change: c.1494-43C>G on transcript NM_001005361.3 (MANE Select); 43 bases into the intron before coding-DNA position 1494, C replaced by G.
Molecular consequence: intron variant.
Genome position (GRCh38, 1-based): chr19:10,805,873, C>G. VCF-style: chr19-10805873-C-G. GRCh37 (hg19) VCF-style: chr19-10916549-C-G.
Other names: c.1494-43C>G (NM_001005360.3, NM_001190716.2, NM_004945.4 and 1 more transcripts).
Identifiers: ClinVar variation 675719 (VCV000675719.2), dbSNP rs2287028, ClinGen allele CA9201200.

ClinVar aggregate classification (germline): Benign. Review status: criteria provided, multiple submitters, no conflicts (2 of 4 stars). 2 submissions from 2 submitters: Benign (2). Last evaluated 2018-06-16.

Allele frequency attached by ClinVar (database versions not stated): ESP Exome Variant Server 0.01184; TOPMed 0.04484; 1000 Genomes Project 30x 0.08932; 1000 Genomes Project 0.09505.
gnomAD v4.1: 35,849 of 1,613,676 alleles (2.2%); highest among the groups gnomAD compares: East Asian, 37%; 3,685 homozygotes.

Submissions (2):

GeneDx
Classification: Benign. Last evaluated: 2018-06-16. Review status: criteria provided, single submitter. Criteria: GeneDx Variant Classification (06012015). Collection method: clinical testing. Allele origin: germline. Affected: yes.
Comment: This variant is considered likely benign or benign based on one or more of the following criteria: it is a conservative change, it occurs at a poorly conserved position in the protein, it is predicted to be benign by multiple in silico algorithms, and/or has population frequency not consistent with disease.

Breakthrough Genomics
Classification: Benign. Review status: criteria provided, single submitter. Criteria: ACMG Guidelines, 2015. Collection method: not provided. Allele origin: germline. Inheritance: Autosomal recessive inheritance. Affected: yes.